The following is an entry in ClinVar:

NM_007103.4(NDUFV1):c.753_756del (p.Pro252fs)

Gene: NDUFV1 (NADH:ubiquinone oxidoreductase core subunit V1; plus strand). Cytogenetic location: 11q13.2.
Variant type: Deletion.
Coding change: c.753_756del on transcript NM_007103.4 (MANE Select); coding-DNA positions 753 to 756, 4 bases deleted (CCCC; older notation c.753_756delCCCC).
Protein change: p.Pro252fs; shifts the reading frame from proline 252.
Molecular consequence: frameshift variant.
Genome position (GRCh38, 1-based): chr11:67,611,047-67,611,050, CCCC deleted; deleting any 4 consecutive bases within chr11:67,611,046-67,611,050 gives the same sequence; the c. name uses the placement nearest the transcript's 3' end. VCF-style (leftmost placement, unchanged base first): chr11-67611045-TCCCC-T. GRCh37 (hg19) VCF-style: chr11-67378516-TCCCC-T.
Other names: p.Pro252Glnfs*44; c.726_729del, p.Pro243fs (NM_001166102.2); short protein forms P252fs, P243fs.
Identifiers: ClinVar variation 632170 (VCV000632170.11), dbSNP rs1229474296, ClinGen allele CA090932.

ClinVar aggregate classification (germline): Pathogenic. Review status: criteria provided, multiple submitters, no conflicts (2 of 4 stars). 3 submissions from 3 submitters: Pathogenic (3). Last evaluated 2026-01-13.

Conditions:
Leigh syndrome (NULS). Also called: Subacute necrotizing encephalopathy; Necrotizing encephalopathy infantile subacute of Leigh; Leigh's syndrome; Leigh Disease; LEIGH SYNDROME, NUCLEAR; Leigh's necrotizing encephalopathy. Identifiers: Orphanet 506, MedGen C2931891, MONDO:0009723, OMIM 256000.

Submissions (3):

Labcorp Genetics (formerly Invitae), Labcorp
Classification: Pathogenic. Last evaluated: 2026-01-13. Review status: criteria provided, single submitter. Criteria: Invitae Variant Classification Sherloc (09022015). Collection method: clinical testing. Allele origin: germline.
Comment: This sequence change creates a premature translational stop signal (p.Pro252Glnfs*44) in the NDUFV1 gene. It is expected to result in an absent or disrupted protein product. Loss-of-function variants in NDUFV1 are known to be pathogenic (PMID: 10080174, 11349233). This variant is present in population databases (no rsID available, gnomAD 0.0009%). This premature translational stop signal has been observed in individual(s) with Leigh syndrome (PMID: 23266820). ClinVar contains an entry for this variant (Variation ID: 632170). For these reasons, this variant has been classified as Pathogenic.

Mayo Clinic Laboratories, Mayo Clinic
Classification: Pathogenic. Last evaluated: 2024-09-13. Review status: criteria provided, single submitter. Criteria: ACMG Guidelines, 2015. Collection method: clinical testing. Allele origin: germline. Observed: 1 variant allele.
Comment: PM1, PM2, PVS1

Laboratory for Molecular Medicine, Mass General Brigham Personalized Medicine
Classification: Pathogenic for Leigh syndrome. Last evaluated: 2015-04-01. Review status: criteria provided, single submitter. Criteria: ACMG Guidelines, 2015. Collection method: clinical testing. Allele origin: germline. Inheritance: Autosomal recessive inheritance.
Comment: This variant is predicted to cause a frameshift, which alters the protein’s amino acid sequence beginning at position 252 and leads to a premature termination codon 44 amino acids downstream. This alteration is then predicted to lead to a truncated or absent protein. Complete loss of NDUFV1 function is an established disease mechanism in Leigh syndrome. In summary, the p.Pro252fs variant meets our criteria to be classified as pathogenic for Leigh syndrome in an autosomal recessive manner based upon absence from controls and the predicted impact to the protein.

Literature cited by the submitters: PubMed 10080174 (cited by Labcorp Genetics (formerly Invitae), Labcorp); PubMed 11349233 (cited by Labcorp Genetics (formerly Invitae), Labcorp); PubMed 23266820 (cited by 3 submitters); PubMed 27392081 (cited by Mayo Clinic Laboratories, Mayo Clinic).